The following is an entry in ClinVar:

NM_001394998.1(TANC2):c.321T>C (p.Thr107=)

Gene: TANC2 (tetratricopeptide repeat, ankyrin repeat and coiled-coil containing 2; plus strand). Cytogenetic location: 17q23.2.
Variant type: single nucleotide variant.
Coding change: c.321T>C on transcript NM_001394998.1 (MANE Select); coding-DNA position 321, T replaced by C.
Protein change: p.Thr107=; no amino-acid change (threonine 107 retained).
Molecular consequence: synonymous variant. On other transcripts: intron variant (2).
Genome position (GRCh38, 1-based): chr17:63,099,356, T>C. VCF-style: chr17-63099356-T-C. GRCh37 (hg19) VCF-style: chr17-61176717-T-C.
Other names: c.211+110T>C (NM_001411076.1, NM_025185.4).
Identifiers: ClinVar variation 2648039 (VCV002648039.24), dbSNP rs2510034305, ClinGen allele CA2695200319.
Genomic context (GRCh38, chr17:63,099,356, plus strand): 5'-CTCCCCCTTACTCACACATCAGTCTATCAGTGTTCGGCTCCAGCCTGTGAAGAAGTTAAC[T>C]GGTAAGGACTTTACCTAAATTTAGTATGTTTAACAGGAAACCTAACGATATGACACTTTA-3'
Protein context (NP_001381927.1, residues 97-117): SVRLQPVKKL[Thr107=]APLRKAKFVE

ClinVar aggregate classification (germline): Uncertain significance (1 of 4 stars; one submission).

Submission:

CeGaT Center for Human Genetics Tuebingen
Classification: Uncertain significance. Last evaluated: 2023-08-01. Review status: criteria provided, single submitter. Criteria: CeGaT Center For Human Genetics Tuebingen Variant Classification Criteria Version 2. Collection method: clinical testing. Allele origin: germline. Affected: yes. Observed: 1 variant allele.
Comment: TANC2: PM2:Supporting, BP4